The following is an entry in ClinVar:

NM_001106.4(ACVR2B):c.1276dup (p.Glu426fs)

Gene: ACVR2B (activin A receptor type 2B; plus strand). Cytogenetic location: 3p22.2.
Variant type: Duplication.
Coding change: c.1276dup on transcript NM_001106.4 (MANE Select); coding-DNA position 1276, one base duplicated (G; older notation c.1276dupG).
Protein change: p.Glu426fs; shifts the reading frame from glutamic acid 426.
Molecular consequence: frameshift variant.
Genome position (GRCh38, 1-based): chr3:38,482,492, G duplicated; the last of 2 consecutive G bases (chr3:38,482,491-38,482,492); duplicating either gives the same sequence. VCF-style (leftmost placement, unchanged base first): chr3-38482490-A-AG. GRCh37 (hg19) VCF-style: chr3-38523981-A-AG.
Other names: short protein forms E426fs.
Identifiers: ClinVar variation 3660243 (VCV003660243.2).

ClinVar aggregate classification (germline): Uncertain significance (1 of 4 stars; one submission).

Conditions:
Heterotaxy, visceral, 4, autosomal (HTX4). Identifiers: Orphanet 450, MedGen C3151057, MONDO:0013403, OMIM 613751.

Submission:

Labcorp Genetics (formerly Invitae), Labcorp
Classification: Uncertain significance for Heterotaxy, visceral, 4, autosomal. Last evaluated: 2024-07-23. Review status: criteria provided, single submitter. Criteria: Invitae Variant Classification Sherloc (09022015). Collection method: clinical testing. Allele origin: germline.
Comment: This sequence change creates a premature translational stop signal (p.Glu426Glyfs*16) in the ACVR2B gene. While this is not anticipated to result in nonsense mediated decay, it is expected to disrupt the last 87 amino acid(s) of the ACVR2B protein. This variant is not present in population databases (gnomAD no frequency). This variant has not been reported in the literature in individuals affected with ACVR2B-related conditions. In summary, the available evidence is currently insufficient to determine the role of this variant in disease. Therefore, it has been classified as a Variant of Uncertain Significance.